The following is an entry in ClinVar:

ClinVar aggregate classification (germline): Pathogenic/Likely pathogenic. Review status: criteria provided, multiple submitters, no conflicts (2 of 4 stars). 3 submissions from 3 submitters: Pathogenic (2); Likely pathogenic (1). Last evaluated 2024-05-28.

Conditions:
Inborn genetic diseases. Identifiers: MedGen C0950123, MeSH D030342.
Ocular cystinosis. Also called: Non-Nephropathic (Ocular) Cystinosis; Non-Nephropathic Cystinosis. Identifiers: Orphanet 213, Orphanet 411641, MedGen C2931013, MONDO:0009064, OMIM 219750.
Nephropathic cystinosis (CTNS). Also called: CYSTINOSIN, DEFECT OF; LYSOSOMAL CYSTINE TRANSPORT PROTEIN, DEFECT OF; Abderhalden Lignac Kaufmann disease; Abderhalden-Kaufmann-Lignac syndrome. Identifiers: Orphanet 213, Orphanet 411629, MedGen C2931187, MONDO:0100151, OMIM 219800.
Juvenile nephropathic cystinosis. Also called: Intermediate Cystinosis; Later-Onset (Juvenile) Cystinosis; CYSTINOSIS, LATE-ONSET JUVENILE OR ADOLESCENT NEPHROPATHIC TYPE. Identifiers: Orphanet 213, Orphanet 411634, MedGen C0268626, MONDO:0009066, OMIM 219900.

Allele frequency attached by ClinVar (database versions not stated): gnomAD 0.00001; TOPMed 0.00001.

Submissions (3):

Fulgent Genetics
Classification: Likely pathogenic for Ocular cystinosis; Nephropathic cystinosis; Juvenile nephropathic cystinosis. Last evaluated: 2024-05-28. Review status: criteria provided, single submitter. Criteria: ACMG Guidelines, 2015. Collection method: clinical testing. Allele origin: germline.

Ambry Genetics
Classification: Pathogenic for Inborn genetic diseases. Last evaluated: 2020-03-11. Review status: criteria provided, single submitter. Criteria: Ambry Variant Classification Scheme 2023. Collection method: clinical testing. Allele origin: germline.
Comment: The alteration results in a premature stop codon: _x000D_ _x000D_ The c.841dupT (p.Y281Lfs*15) alteration, located in exon 10 (coding exon 8) of the CTNS gene, consists of a duplication of T at position 841, causing a translational frameshift with a predicted alternate stop codon after 15 amino acids. This alteration is expected to result in loss of function by premature protein truncation or nonsense-mediated mRNA decay. The alteration is not observed in population databases: _x000D_ _x000D_ Based on data from the Genome Aggregation Database (gnomAD), the CTNS c.841dupT alteration was not observed, with coverage at this position. Based on the available evidence, this alteration is classified as pathogenic.

Labcorp Genetics (formerly Invitae), Labcorp
Classification: Pathogenic for Inborn genetic diseases; Ocular cystinosis; Juvenile nephropathic cystinosis. Last evaluated: 2019-07-08. Review status: criteria provided, single submitter. Criteria: Invitae Variant Classification Sherloc (09022015). Collection method: clinical testing. Allele origin: germline.
Comment: This sequence change creates a premature translational stop signal (p.Tyr281Leufs*15) in the CTNS gene. It is expected to result in an absent or disrupted protein product. This variant is not present in population databases (ExAC no frequency). This variant has not been reported in the literature in individuals with CTNS-related conditions. Loss-of-function variants in CTNS are known to be pathogenic (PMID: 9537412, 27102039). For these reasons, this variant has been classified as Pathogenic.

Literature cited by the submitters: PubMed 22664570 (cited by Ambry Genetics); PubMed 24464559 (cited by Ambry Genetics); PubMed 26565940 (cited by Ambry Genetics); PubMed 28893421 (cited by Ambry Genetics); PubMed 9537412 (cited by Labcorp Genetics (formerly Invitae), Labcorp); PubMed 27102039 (cited by Labcorp Genetics (formerly Invitae), Labcorp).

NM_004937.3(CTNS):c.841dup (p.Tyr281fs)

Gene: CTNS (cystinosin, lysosomal cystine transporter; plus strand). Cytogenetic location: 17p13.2.
Variant type: Duplication.
Coding change: c.841dup on transcript NM_004937.3 (MANE Select); coding-DNA position 841, one base duplicated (T; older notation c.841dupT).
Protein change: p.Tyr281fs; shifts the reading frame from tyrosine 281.
Molecular consequence: frameshift variant.
Genome position (GRCh38, 1-based): chr17:3,658,164, T duplicated. VCF-style (leftmost placement, unchanged base first): chr17-3658163-G-GT. GRCh37 (hg19) VCF-style: chr17-3561457-G-GT.
Other names: c.841dupT (NM_004937.2); c.841dup, p.Tyr281fs (NM_001031681.3, NM_001374492.1); c.400dup, p.Tyr134fs (NM_001374493.1, NM_001374494.1, NM_001374495.1 and 1 more transcripts); short protein forms Y281fs, Y134fs.
Identifiers: ClinVar variation 856604 (VCV000856604.14), dbSNP rs1411094034, ClinGen allele CA728448780.
Genomic context (GRCh38, chr17:3,658,163, plus strand): 5'-CACGTGGCTGCAGTTTCTCTTCTGCTTCTCCTACATCAAGCTCGCAGTCACGCTGGTCAA[G>GT]TATTTTCCACAGGTACCTCCAGGGCCCTGTTCACATGGCCGGTGGCAGGAGAGGTGAGAG-3'